The following is an entry in ClinVar:

NM_024665.7(TBL1XR1):c.1219A>G (p.Asn407Asp)

Gene: TBL1XR1 (TBL1X/Y related 1; minus strand). Cytogenetic location: 3q26.32.
Variant type: single nucleotide variant.
Coding change: c.1219A>G on transcript NM_024665.7 (MANE Select); coding-DNA position 1219, A replaced by G.
Protein change: p.Asn407Asp; replaces asparagine 407 with aspartic acid.
Molecular consequence: missense variant.
Genome position (GRCh38, 1-based): chr3:177,034,229, T>C on the plus strand (A>G on the coding strand, the complement: TBL1XR1 is on the minus strand). VCF-style: chr3-177034229-T-C. GRCh37 (hg19) VCF-style: chr3-176752017-T-C.
Other names: c.1219A>G, p.Asn407Asp (NM_001321193.3, NM_001321194.3, NM_001374327.1 and 2 more transcripts); c.958A>G, p.Asn320Asp (NM_001321195.3, NM_001374330.1); short protein forms N407D, N320D.
Identifiers: ClinVar variation 2077164 (VCV002077164.4), dbSNP rs145018224, ClinGen allele CA89087183.
Genomic context (GRCh38, chr3:177,034,229, plus strand): 5'-TAAAAGGAAAAATGAAACAGAAGTATCACCTTGCTAACATAAGGTTGGCATTTGGATTAT[T>C]AGTCCCTGGTCCTGTTGGACTCCATTTGATAGTATAAATTTCTTTATTATGTGCTTGCAA-3'
Protein context (NP_078941.2, residues 397-417): IKWSPTGPGT[Asn407Asp]NPNANLMLAS

ClinVar aggregate classification (germline): Uncertain significance (1 of 4 stars; one submission).

Conditions:
Pierpont syndrome (PRPTS). Identifiers: Orphanet 487825, MedGen C1865644, MONDO:0011213, OMIM 602342.

Allele frequency attached by ClinVar (database versions not stated): gnomAD exomes below 0.00001; gnomAD 0.00001; 1000 Genomes Project 30x 0.00016.
gnomAD v4.1: 3 of 1,601,220 alleles (0.00019%); highest among the groups gnomAD compares: Non-Finnish European, 0.00025%; no homozygotes.

Submission:

Labcorp Genetics (formerly Invitae), Labcorp
Classification: Uncertain significance for Pierpont syndrome. Last evaluated: 2022-08-15. Review status: criteria provided, single submitter. Criteria: Invitae Variant Classification Sherloc (09022015). Collection method: clinical testing. Allele origin: germline.
Comment: In summary, the available evidence is currently insufficient to determine the role of this variant in disease. Therefore, it has been classified as a Variant of Uncertain Significance. Advanced modeling of protein sequence and biophysical properties (such as structural, functional, and spatial information, amino acid conservation, physicochemical variation, residue mobility, and thermodynamic stability) performed at Invitae indicates that this missense variant is not expected to disrupt TBL1XR1 protein function. This variant has not been reported in the literature in individuals affected with TBL1XR1-related conditions. This variant is not present in population databases (gnomAD no frequency). This sequence change replaces asparagine, which is neutral and polar, with aspartic acid, which is acidic and polar, at codon 407 of the TBL1XR1 protein (p.Asn407Asp).